The following is an entry in ClinVar:

NM_015047.3(EMC1):c.812_813insGGCCGGGCGCGGTGGCTCACGCCTGTAATCCCAGCACTTTGGGAGGCCGAGGCGGGCGGATCACGAGGTCAGGAGATCGAGACCATCCCGGCTAAAACGGTGAAACCNNNNNNNNNNAAAAAAAAAAAAAAAAAAAAGAATTTGGAAGTGG (p.Gly271_Phe272insAlaGlyArgGlyGlySerArgLeuTer)

Genes: EMC1 (ER membrane protein complex subunit 1; minus strand), EMC1-AS1 (EMC1 antisense RNA 1; plus strand). Cytogenetic location: 1p36.13.
Variant type: Insertion.
Coding change: c.812_813insGGCCGGGCGCGGTGGCTCACGCCTGTAATCCCAGCACTTTGGGAGGCCGAGGCGGGCGGATCACGAGGTCAGGAGATCGAGACCATCCCGGCTAAAACGGTGAAACCNNNNNNNNNNAAAAAAAAAAAAAAAAAAAAGAATTTGGAAGTGG on transcript NM_015047.3 (MANE Select); coding-DNA positions 812 to 813, GGCCGGGCGCGGTGGCTCACGCCTGTAATCCCAGCACTTTGGGAGGCCGAGGCGGGCGGATCACGAGGTCAGGAGATCGAGACCATCCCGGCTAAAACGGTGAAACCNNNNNNNNNNAAAAAAAAAAAAAAAAAAAAGAATTTGGAAGTGG inserted.
Protein change: p.Gly271_Phe272insAlaGlyArgGlyGlySerArgLeuTer.
Molecular consequence: nonsense, inframe insertion.
Genome position: GRCh38: chr1:19,239,974-19,239,975. GRCh37 (hg19): chr1:19,566,468-19,566,469.
Other names: c.812_813insGGCCGGGCGCGGTGGCTCACGCCTGTAATCCCAGCACTTTGGGAGGCCGAGGCGGGCGGATCACGAGGTCAGGAGATCGAGACCATCCCGGCTAAAACGGTGAAACCNNNNNNNNNNAAAAAAAAAAAAAAAAAAAAGAATTTGGAAGTGG, p.Gly271_Phe272insAlaGlyArgGlyGlySerArgLeuTer (NM_001271427.2, NM_001271428.2, NM_001375820.1 and 1 more transcripts); c.746_747insGGCCGGGCGCGGTGGCTCACGCCTGTAATCCCAGCACTTTGGGAGGCCGAGGCGGGCGGATCACGAGGTCAGGAGATCGAGACCATCCCGGCTAAAACGGTGAAACCNNNNNNNNNNAAAAAAAAAAAAAAAAAAAAGAATTTGGAAGTGG, p.Gly249_Phe250insAlaGlyArgGlyGlySerArgLeuTer (NM_001271429.2).
Identifiers: ClinVar variation 1429859 (VCV001429859.6), dbSNP rs2151958278.

ClinVar aggregate classification (germline): Pathogenic (1 of 4 stars; one submission).

Submission:

Labcorp Genetics (formerly Invitae), Labcorp
Classification: Pathogenic. Last evaluated: 2021-04-07. Review status: criteria provided, single submitter. Criteria: Invitae Variant Classification Sherloc (09022015). Collection method: clinical testing. Allele origin: germline.
Comment: Algorithms developed to predict the effect of sequence changes on RNA splicing suggest that this variant may create or strengthen a splice site, but this prediction has not been confirmed by published transcriptional studies. This variant has not been reported in the literature in individuals with EMC1-related conditions. This variant is not present in population databases (ExAC no frequency). This sequence change inserts a large fragment of DNA, likely a transposable element, in exon 8 of the EMC1 gene (c.812_813ins?), causing a frameshift at codon 272 (p.Phe272fs). The exact size and sequence of the insertion cannot be determined by the current assay. However, the insertion is expected to result in an absent or disrupted protein product. Retrotransposon insertions including LINE1 (L1), Alu, and SVA (SINE-VNTR-Alu) have been reported to be disease-causing through disruption of either a coding region or splice site (PMID: 19763152, 20307669, 22406018) and loss-of-function variants in EMC1 are known to be pathogenic (PMID: 26572623, 26942288, 29271071). For these reasons, this variant has been classified as Pathogenic.

Literature cited by the submitters: PubMed 19763152; PubMed 20307669; PubMed 22406018; PubMed 26572623; PubMed 26942288; PubMed 29271071.